The following is an entry in ClinVar:

ClinVar aggregate classification (germline): Uncertain significance (1 of 4 stars; one submission).

Submission:

Labcorp Genetics (formerly Invitae), Labcorp
Classification: Uncertain significance. Last evaluated: 2022-10-13. Review status: criteria provided, single submitter. Criteria: Invitae Variant Classification Sherloc (09022015). Collection method: clinical testing. Allele origin: germline.
Comment: This variant, c.2154_2156del, results in the deletion of 1 amino acid(s) of the SLC7A14 protein (p.Glu718del), but otherwise preserves the integrity of the reading frame. This variant is present in population databases (rs772455195, gnomAD 0.07%), and has an allele count higher than expected for a pathogenic variant. This variant has not been reported in the literature in individuals affected with SLC7A14-related conditions. Experimental studies and prediction algorithms are not available or were not evaluated, and the functional significance of this variant is currently unknown. In summary, the available evidence is currently insufficient to determine the role of this variant in disease. Therefore, it has been classified as a Variant of Uncertain Significance.

NM_020949.3(SLC7A14):c.2151GGA[1] (p.Glu718del)

Gene: SLC7A14 (solute carrier family 7 member 14; minus strand). Cytogenetic location: 3q26.2.
Variant type: Microsatellite.
Coding change: c.2151GGA[1] on transcript NM_020949.3 (MANE Select); one copy of the 3-base unit GGA starting at c.2151; the reference has two copies in a row; one copy, 3 bases deleted.
Protein change: p.Glu718del; deletes glutamic acid 718.
Molecular consequence: inframe deletion.
Genome position (GRCh38, 1-based): chr3:170,467,215-170,467,217, TCC deleted on the plus strand (GGA on the coding strand, the reverse complement: SLC7A14 is on the minus strand); deleting any 3 consecutive bases within chr3:170,467,215-170,467,221 gives the same sequence; the position shown is the placement nearest the transcript's 3' end. VCF-style (leftmost placement, unchanged base first): chr3-170467214-GTCC-G. GRCh37 (hg19) VCF-style: chr3-170185002-GTCC-G.
Other names: short protein forms E718del.
Identifiers: ClinVar variation 1042266 (VCV001042266.8), dbSNP rs772455195, ClinGen allele CA2701490.